The following is an entry in ClinVar:

NM_005869.4(CWC27):c.1208C>T (p.Thr403Met)

Gene: CWC27 (CWC27 spliceosome associated cyclophilin; plus strand). Cytogenetic location: 5q12.3.
Variant type: single nucleotide variant.
Coding change: c.1208C>T on transcript NM_005869.4 (MANE Select); coding-DNA position 1208, C replaced by T.
Protein change: p.Thr403Met; replaces threonine 403 with methionine.
Molecular consequence: missense variant. On other transcripts: intron variant (1).
Genome position (GRCh38, 1-based): chr5:64,977,190, C>T. VCF-style: chr5-64977190-C-T. GRCh37 (hg19) VCF-style: chr5-64273017-C-T.
Other names: c.1152+5378C>T (NM_001297644.1); c.1208C>T (NM_005869.2); short protein forms T403M.
Identifiers: ClinVar variation 1016112 (VCV001016112.8), dbSNP rs769957094, ClinGen allele CA3282256.

ClinVar aggregate classification (germline): Uncertain significance. Review status: criteria provided, multiple submitters, no conflicts (2 of 4 stars). 2 submissions from 2 submitters: Uncertain significance (2). Last evaluated 2024-05-12.

Conditions:
Inborn genetic diseases. Identifiers: MedGen C0950123, MeSH D030342.

Allele frequency attached by ClinVar (database versions not stated): ExAC 0.00001; gnomAD 0.00001; gnomAD exomes 0.00001 and 0.00002; TOPMed 0.00002.
gnomAD v4.1: 15 of 1,612,394 alleles (0.00093%); highest among the groups gnomAD compares: East Asian, 0.0067%; no homozygotes.

Submissions (2):

Labcorp Genetics (formerly Invitae), Labcorp
Classification: Uncertain significance. Last evaluated: 2024-05-12. Review status: criteria provided, single submitter. Criteria: Invitae Variant Classification Sherloc (09022015). Collection method: clinical testing. Allele origin: germline.
Comment: This sequence change replaces threonine, which is neutral and polar, with methionine, which is neutral and non-polar, at codon 403 of the CWC27 protein (p.Thr403Met). This variant is present in population databases (rs769957094, gnomAD 0.03%). This variant has not been reported in the literature in individuals affected with CWC27-related conditions. ClinVar contains an entry for this variant (Variation ID: 1016112). Algorithms developed to predict the effect of missense changes on protein structure and function output the following: SIFT: "Not Available"; PolyPhen-2: "Benign"; Align-GVGD: "Not Available". The methionine amino acid residue is found in multiple mammalian species, which suggests that this missense change does not adversely affect protein function. In summary, the available evidence is currently insufficient to determine the role of this variant in disease. Therefore, it has been classified as a Variant of Uncertain Significance.

Ambry Genetics
Classification: Uncertain significance for Inborn genetic diseases. Last evaluated: 2024-02-05. Review status: criteria provided, single submitter. Criteria: Ambry Variant Classification Scheme 2023. Collection method: clinical testing. Allele origin: germline.